The following is an entry in ClinVar:

NM_004172.5(SLC1A3):c.74G>T (p.Arg25Leu)

Gene: SLC1A3 (solute carrier family 1 member 3; plus strand). Cytogenetic location: 5p13.2.
Variant type: single nucleotide variant.
Coding change: c.74G>T on transcript NM_004172.5 (MANE Select); coding-DNA position 74, G replaced by T.
Protein change: p.Arg25Leu; replaces arginine 25 with leucine.
Molecular consequence: missense variant.
Genome position (GRCh38, 1-based): chr5:36,608,497, G>T. VCF-style: chr5-36608497-G-T. GRCh37 (hg19) VCF-style: chr5-36608599-G-T.
Other names: c.74G>T, p.Arg25Leu (NM_001166695.3, NM_001166696.3, NM_001289939.2 and 1 more transcripts); short protein forms R25L.
Identifiers: ClinVar variation 1341626 (VCV001341626.2), dbSNP rs769225350, ClinGen allele CA359485585.

ClinVar aggregate classification (germline): Uncertain significance (1 of 4 stars; one submission).

Submission:

GeneDx
Classification: Uncertain significance. Last evaluated: 2022-01-28. Review status: criteria provided, single submitter. Criteria: GeneDx Variant Classification Process June 2021. Collection method: clinical testing. Allele origin: germline. Affected: yes.
Comment: Not observed at significant frequency in large population cohorts (gnomAD); In silico analysis supports that this missense variant has a deleterious effect on protein structure/function; Has not been previously published as pathogenic or benign to our knowledge; This variant is associated with the following publications: (PMID: 27535533)